The following is an entry in ClinVar:

ClinVar aggregate classification (germline): Likely benign (0 of 4 stars; one submission).

Conditions:
RECQL5-related disorder. Also called: RECQL5-related condition.

Allele frequency attached by ClinVar (database versions not stated): ExAC 0.00021; ESP Exome Variant Server 0.00023; gnomAD 0.00025; TOPMed 0.00027; gnomAD exomes 0.00043.
gnomAD v4.1: 660 of 1,614,080 alleles (0.041%); highest among the groups gnomAD compares: Non-Finnish European, 0.052%; no homozygotes.

Submission:

PreventionGenetics, part of Exact Sciences
Classification: Likely benign for RECQL5-related condition. Last evaluated: 2022-05-11. Review status: no assertion criteria provided. Collection method: clinical testing. Allele origin: germline.
Comment: This variant is classified as likely benign based on ACMG/AMP sequence variant interpretation guidelines (Richards et al. 2015 PMID: 25741868, with internal and published modifications).

NM_004259.7(RECQL5):c.903G>A (p.Val301=)

Gene: RECQL5 (RecQ like helicase 5; minus strand). Cytogenetic location: 17q25.1.
Variant type: single nucleotide variant.
Coding change: c.903G>A on transcript NM_004259.7 (MANE Select); coding-DNA position 903, G replaced by A.
Protein change: p.Val301=; no amino-acid change (valine 301 retained).
Molecular consequence: synonymous variant.
Genome position (GRCh38, 1-based): chr17:75,661,038, C>T on the plus strand (G>A on the coding strand, the complement: RECQL5 is on the minus strand). VCF-style: chr17-75661038-C-T. GRCh37 (hg19) VCF-style: chr17-73657118-C-T.
Other names: c.903G>A, p.Val301= (NM_001003715.4, NM_001003716.4).
Identifiers: ClinVar variation 3042513 (VCV003042513.2), dbSNP rs149970344, ClinGen allele CA8767806.